The following is an entry in ClinVar:

NM_004006.3(DMD):c.9834G>A (p.Ala3278=)

Gene: DMD (dystrophin; minus strand). Cytogenetic location: Xp21.2.
Variant type: single nucleotide variant.
Coding change: c.9834G>A on transcript NM_004006.3 (MANE Select); coding-DNA position 9834, G replaced by A.
Protein change: p.Ala3278=; no amino-acid change (alanine 3278 retained).
Molecular consequence: synonymous variant.
Genome position (GRCh38, 1-based): chrX:31,182,878, C>T on the plus strand (G>A on the coding strand, the complement: DMD is on the minus strand). VCF-style: chrX-31182878-C-T. GRCh37 (hg19) VCF-style: chrX-31200995-C-T.
Other names: c.9810G>A, p.Ala3270= (NM_000109.4); c.9822G>A, p.Ala3274= (NM_004009.3); c.9465G>A, p.Ala3155= (NM_004010.3); c.5811G>A, p.Ala1937= (NM_004011.4); c.5802G>A, p.Ala1934= (NM_004012.4); c.2454G>A, p.Ala818= (NM_004013.3, NM_004020.4, NM_004021.3 and 2 more transcripts); c.1647G>A, p.Ala549= (NM_004014.3); c.630G>A, p.Ala210= (NM_004015.3, NM_004016.3, NM_004017.3 and 2 more transcripts).
Identifiers: ClinVar variation 385396 (VCV000385396.15), dbSNP rs749726519, ClinGen allele CA10377733.

ClinVar aggregate classification (germline): Likely benign. Review status: criteria provided, multiple submitters, no conflicts (2 of 4 stars). 4 submissions from 4 submitters: Likely benign (3). 1 of the submissions does not count toward it. Last evaluated 2026-02-01.

Conditions:
Cardiovascular phenotype. Identifiers: MedGen CN230736.
Duchenne muscular dystrophy (DMD). Also called: MUSCULAR DYSTROPHY, PSEUDOHYPERTROPHIC PROGRESSIVE, DUCHENNE TYPE; Duchenne Muscular Dystrophy (DMD). Identifiers: Orphanet 98896, MedGen C0013264, MONDO:0010679, OMIM 310200.
Becker muscular dystrophy (BMD). Also called: MUSCULAR DYSTROPHY, PSEUDOHYPERTROPHIC PROGRESSIVE, BECKER TYPE; Becker Muscular Dystrophy (BMD). Identifiers: Orphanet 98895, MedGen C0917713, MONDO:0010311, OMIM 300376.
Cardiomyopathy (CMYO). Also called: Cardiomyopathies. Identifiers: Orphanet 167848, MedGen C0878544, MONDO:0004994, HP:0001638. Inheritance: Various modes of inheritance.
Dystrophin deficiency.

Allele frequency attached by ClinVar (database versions not stated): TOPMed below 0.00001; gnomAD 0.00001; gnomAD exomes 0.00001 and 0.00002; ExAC 0.00005; 1000 Genomes Project 30x 0.00021; 1000 Genomes Project 0.00026.
gnomAD v4.1: 9 of 1,205,758 alleles (0.00075%); highest among the groups gnomAD compares: South Asian, 0.016%; no homozygotes.

Submissions (4):

Labcorp Genetics (formerly Invitae), Labcorp
Classification: Likely benign for Duchenne muscular dystrophy. Last evaluated: 2026-02-01. Review status: criteria provided, single submitter. Criteria: Invitae Variant Classification Sherloc (09022015). Collection method: clinical testing. Allele origin: germline.

Ambry Genetics
Classification: Likely benign for Cardiovascular phenotype. Last evaluated: 2021-12-23. Review status: criteria provided, single submitter. Criteria: Ambry Variant Classification Scheme 2023. Collection method: clinical testing. Allele origin: germline.

GeneDx
Classification: Likely benign. Last evaluated: 2016-04-11. Review status: criteria provided, single submitter. Criteria: GeneDx Variant Classification (06012015). Collection method: clinical testing. Allele origin: germline. Affected: yes.
Comment: This variant is considered likely benign or benign based on one or more of the following criteria: it is a conservative change, it occurs at a poorly conserved position in the protein, it is predicted to be benign by multiple in silico algorithms, and/or has population frequency not consistent with disease.

Natera, Inc.
Classification: Likely benign for Becker muscular dystrophy; Cardiomyopathy; Duchenne muscular dystrophy; Dystrophin deficiency. Last evaluated: 2019-01-18. Review status: no assertion criteria provided. Collection method: clinical testing. Allele origin: germline. Not counted in ClinVar's aggregate classification.